The following is an entry in ClinVar:

ClinVar aggregate classification (germline): Likely benign. Review status: criteria provided, multiple submitters, no conflicts (2 of 4 stars). 2 submissions from 2 submitters: Likely benign (2). Last evaluated 2025-03-01.

Allele frequency attached by ClinVar (database versions not stated): ExAC 0.00003; gnomAD 0.00003; TOPMed 0.00003.
gnomAD v4.1: 61 of 1,596,286 alleles (0.0038%); highest among the groups gnomAD compares: Non-Finnish European, 0.0051%; no homozygotes.

Submissions (2):

CeGaT Center for Human Genetics Tuebingen
Classification: Likely benign. Last evaluated: 2025-03-01. Review status: criteria provided, single submitter. Criteria: CeGaT Center For Human Genetics Tuebingen Variant Classification Criteria Version 2. Collection method: clinical testing. Allele origin: germline. Affected: yes. Observed: 1 variant allele.
Comment: NUBPL: BP4, BP7

Labcorp Genetics (formerly Invitae), Labcorp
Classification: Likely benign. Last evaluated: 2022-11-19. Review status: criteria provided, single submitter. Criteria: Invitae Variant Classification Sherloc (09022015). Collection method: clinical testing. Allele origin: germline.

NM_025152.3(NUBPL):c.117C>T (p.Gly39=)

Gene: NUBPL (NUBP iron-sulfur cluster assembly factor, mitochondrial; plus strand). Cytogenetic location: 14q12.
Variant type: single nucleotide variant.
Coding change: c.117C>T on transcript NM_025152.3 (MANE Select); coding-DNA position 117, C replaced by T.
Protein change: p.Gly39=; no amino-acid change (glycine 39 retained).
Molecular consequence: synonymous variant. On other transcripts: non-coding transcript variant (1).
Genome position (GRCh38, 1-based): chr14:31,562,076, C>T. VCF-style: chr14-31562076-C-T. GRCh37 (hg19) VCF-style: chr14-32031282-C-T.
Identifiers: ClinVar variation 2023039 (VCV002023039.11), dbSNP rs773589463, ClinGen allele CA7147727.